The following is an entry in ClinVar:

NM_033655.5(CNTNAP3):c.3012T>C (p.Phe1004=)

Gene: CNTNAP3 (contactin associated protein family member 3). Cytogenetic location: 9p12.
Variant type: single nucleotide variant.
Coding change: c.3012T>C on transcript NM_033655.5 (MANE Select); coding-DNA position 3012, T replaced by C.
Protein change: p.Phe1004=; no amino-acid change (phenylalanine 1004 retained).
Molecular consequence: synonymous variant.
Genome position (GRCh38, 1-based): chr9:39,088,631, A>G on the plus strand (T>C on the coding strand, the complement: CNTNAP3 is on the minus strand). VCF-style: chr9-39088631-A-G. GRCh37 (hg19) VCF-style: chr9-39088628-A-G.
Other names: c.2769T>C, p.Phe923= (NM_001393379.1).
Identifiers: ClinVar variation 2659201 (VCV002659201.24), dbSNP rs758288403, ClinGen allele CA5065225.
Genomic context (GRCh38, chr9:39,088,631, plus strand): 5'-GGAGTTTTCACTTAAAGTGTAATGTTCTTGAAAATGGTATGTCATTGAGGAGCCAGTTGC[A>G]AAATATGCGGAAATCTCTGAAATGATAAATACATTTTTGTTATGTTAACAAAATGTAAGT-3'
Protein context (NP_387504.2, residues 994-1014): PFCSNEISAY[Phe1004=]ATGSSMTYHF

ClinVar aggregate classification (germline): Likely benign (1 of 4 stars; one submission).

Allele frequency attached by ClinVar (database versions not stated): ExAC 0.00025.

Submission:

CeGaT Center for Human Genetics Tuebingen
Classification: Likely benign. Last evaluated: 2023-03-01. Review status: criteria provided, single submitter. Criteria: CeGaT Center For Human Genetics Tuebingen Variant Classification Criteria Version 2. Collection method: clinical testing. Allele origin: germline. Affected: yes. Observed: 1 variant allele.
Comment: CNTNAP3: BP4, BP7